The following is an entry in ClinVar:

NM_020207.7(ERCC6L2):c.3415C>G (p.Arg1139Gly)

Gene: ERCC6L2 (ERCC excision repair 6 like 2; plus strand). Cytogenetic location: 9q22.32.
Variant type: single nucleotide variant.
Coding change: c.3415C>G on transcript NM_020207.7 (MANE Select); coding-DNA position 3415, C replaced by G.
Protein change: p.Arg1139Gly; replaces arginine 1139 with glycine.
Molecular consequence: missense variant. On other transcripts: non-coding transcript variant (1).
Genome position (GRCh38, 1-based): chr9:95,978,138, C>G. VCF-style: chr9-95978138-C-G. GRCh37 (hg19) VCF-style: chr9-98740420-C-G.
Other names: c.3415C>G, p.Arg1139Gly (NM_001375291.1, NM_001375292.1, NM_001375293.1 and 1 more transcripts); short protein forms R1139G.
Identifiers: ClinVar variation 1495365 (VCV001495365.6), dbSNP rs369124504, ClinGen allele CA5139916.

ClinVar aggregate classification (germline): Uncertain significance (1 of 4 stars; one submission).

gnomAD v4.1: 22 of 1,367,170 alleles (0.0016%); highest among the groups gnomAD compares: Non-Finnish European, 0.0022%; 1 homozygote.

Submission:

Labcorp Genetics (formerly Invitae), Labcorp
Classification: Uncertain significance. Last evaluated: 2026-01-07. Review status: criteria provided, single submitter. Criteria: Invitae Variant Classification Sherloc (09022015). Collection method: clinical testing. Allele origin: germline.
Comment: This sequence change replaces arginine, which is basic and polar, with glycine, which is neutral and non-polar, at codon 1150 of the ERCC6L2 protein (p.Arg1150Gly). This variant is present in population databases (rs369124504, gnomAD 0.004%). This variant has not been reported in the literature in individuals affected with ERCC6L2-related conditions. ClinVar contains an entry for this variant (Variation ID: 1495365). Experimental studies and prediction algorithms are not available or were not evaluated, and the functional significance of this variant is currently unknown. In summary, the available evidence is currently insufficient to determine the role of this variant in disease. Therefore, it has been classified as a Variant of Uncertain Significance.